The following is an entry in ClinVar:

NM_001374736.1(DST):c.6549T>G (p.Phe2183Leu)

Gene: DST (dystonin; minus strand). Cytogenetic location: 6p12.1.
Variant type: single nucleotide variant.
Coding change: c.6549T>G on transcript NM_001374736.1 (MANE Select); coding-DNA position 6549, T replaced by G.
Protein change: p.Phe2183Leu; replaces phenylalanine 2183 with leucine.
Molecular consequence: missense variant. On other transcripts: intron variant (6).
Genome position (GRCh38, 1-based): chr6:56,608,079, A>C on the plus strand (T>G on the coding strand, the complement: DST is on the minus strand). VCF-style: chr6-56608079-A-C. GRCh37 (hg19) VCF-style: chr6-56472877-A-C.
Other names: c.6549T>G, p.Phe2183Leu (NM_001374722.1); c.5916T>G, p.Phe1972Leu (NM_001374729.1); c.6576T>G, p.Phe2192Leu (NM_001374734.1); c.5184+2348T>G (NM_001144769.5); c.4770+2348T>G (NM_001144770.2); c.4650+2348T>G (NM_001374730.1, NM_001386100.1, NM_183380.4); c.3672+2348T>G (NM_015548.5); short protein forms F1972L, F2183L, F2192L.
Identifiers: ClinVar variation 4535309 (VCV004535309.6).
Genomic context (GRCh38, chr6:56,608,079, plus strand): 5'-AGATAGAAATAATTTTTTAGTTTCTTCTGAGGTCTGAGTAGTGACAGGTTCTTCTCCATC[A>C]AAAACATCCTCTTCTTGTCTGTAATCATGAACTGTGGAGGGTTGAAATTTACAAAAAGAG-3'
Protein context (NP_001361665.1, residues 2173-2193): VHDYRQEEDV[Phe2183Leu]DGEEPVTTQT

ClinVar aggregate classification (germline): Uncertain significance (1 of 4 stars; one submission).

Submission:

CeGaT Center for Human Genetics Tuebingen
Classification: Uncertain significance. Last evaluated: 2025-11-01. Review status: criteria provided, single submitter. Criteria: CeGaT Center For Human Genetics Tuebingen Variant Classification Criteria Version 2. Collection method: clinical testing. Allele origin: germline. Affected: yes. Observed: 1 variant allele.
Comment: DST: PM2, BP4